The following is an entry in ClinVar:

NM_004606.5(TAF1):c.1780A>G (p.Ile594Val)

Gene: TAF1 (TATA-box binding protein associated factor 1; plus strand). Cytogenetic location: Xq13.1.
Variant type: single nucleotide variant.
Coding change: c.1780A>G on transcript NM_004606.5 (MANE Select); coding-DNA position 1780, A replaced by G.
Protein change: p.Ile594Val; replaces isoleucine 594 with valine.
Molecular consequence: missense variant. On other transcripts: non-coding transcript variant (9).
Genome position (GRCh38, 1-based): chrX:71,382,997, A>G. VCF-style: chrX-71382997-A-G. GRCh37 (hg19) VCF-style: chrX-70602847-A-G.
Other names: c.1780A>G, p.Ile594Val (NM_001286074.2); c.1717A>G, p.Ile573Val (NM_138923.4); short protein forms I573V, I594V.
Identifiers: ClinVar variation 2575778 (VCV002575778.1), dbSNP rs2520224009, ClinGen allele CA413514393.

ClinVar aggregate classification (germline): Uncertain significance (1 of 4 stars; one submission).

Submission:

GeneDx
Classification: Uncertain significance. Last evaluated: 2023-02-08. Review status: criteria provided, single submitter. Criteria: GeneDx Variant Classification Process June 2021. Collection method: clinical testing. Allele origin: germline. Affected: yes.
Comment: Not observed at significant frequency in large population cohorts (gnomAD); In silico analysis supports that this missense variant does not alter protein structure/function; Has not been previously published as pathogenic or benign to our knowledge